The following is an entry in ClinVar:

NM_006031.6(PCNT):c.7029C>T (p.Asp2343=)

Gene: PCNT (pericentrin; plus strand). Cytogenetic location: 21q22.3.
Variant type: single nucleotide variant.
Coding change: c.7029C>T on transcript NM_006031.6 (MANE Select); coding-DNA position 7029, C replaced by T.
Protein change: p.Asp2343=; no amino-acid change (aspartic acid 2343 retained).
Molecular consequence: synonymous variant.
Genome position (GRCh38, 1-based): chr21:46,421,974, C>T. VCF-style: chr21-46421974-C-T. GRCh37 (hg19) VCF-style: chr21-47841888-C-T.
Other names: c.6675C>T, p.Asp2225= (NM_001315529.2).
Identifiers: ClinVar variation 898797 (VCV000898797.13), dbSNP rs143064269, ClinGen allele CA10080498.

ClinVar aggregate classification (germline): Conflicting classifications of pathogenicity. Review status: criteria provided, conflicting classifications (1 of 4 stars). 3 submissions from 3 submitters: Uncertain significance (1); Likely benign (1). 1 of the submissions does not count toward it. Last evaluated 2025-02-17.

Conditions:
Microcephalic osteodysplastic primordial dwarfism type II (MOPD2). Also called: Microcephalic osteodysplastic primordial dwarfism with tooth abnormalities; MOPD II; OSTEODYSPLASTIC PRIMORDIAL DWARFISM, TYPE II. Identifiers: Orphanet 2637, MedGen C0432246, MONDO:0008872, OMIM 210720.
PCNT-related disorder. Also called: PCNT-related condition.

Allele frequency attached by ClinVar (database versions not stated): TOPMed 0.00004; gnomAD 0.00005; ESP Exome Variant Server 0.00008.
gnomAD v4.1: 127 of 1,613,900 alleles (0.0079%); highest among the groups gnomAD compares: South Asian, 0.011%; no homozygotes.

Submissions (3):

Labcorp Genetics (formerly Invitae), Labcorp
Classification: Likely benign. Last evaluated: 2025-02-17. Review status: criteria provided, single submitter. Criteria: Invitae Variant Classification Sherloc (09022015). Collection method: clinical testing. Allele origin: germline.

Illumina Laboratory Services, Illumina
Classification: Uncertain significance for Microcephalic osteodysplastic primordial dwarfism type II. Last evaluated: 2018-01-13. Review status: criteria provided, single submitter. Criteria: ICSL Variant Classification Criteria 13 December 2019. Collection method: clinical testing. Allele origin: germline.

PreventionGenetics, part of Exact Sciences
Classification: Likely benign for PCNT-related condition. Last evaluated: 2021-12-06. Review status: no assertion criteria provided. Collection method: clinical testing. Allele origin: germline. Not counted in ClinVar's aggregate classification.
Comment: This variant is classified as likely benign based on ACMG/AMP sequence variant interpretation guidelines (Richards et al. 2015 PMID: 25741868, with internal and published modifications).